The following is an entry in ClinVar:

ClinVar aggregate classification (germline): Uncertain significance (1 of 4 stars; one submission).

Submission:

Labcorp Genetics (formerly Invitae), Labcorp
Classification: Uncertain significance. Last evaluated: 2022-02-22. Review status: criteria provided, single submitter. Criteria: Invitae Variant Classification Sherloc (09022015). Collection method: clinical testing. Allele origin: germline.
Comment: A copy number gain of the genomic region encompassing the full coding sequence of the ZNF469 gene has been identified. The boundaries of this event are unknown as they extend beyond the assayed region for this gene and therefore may encompass additional genes. As the precise location of this event is unknown, it may be in tandem or it may be located elsewhere in the genome. This variant has not been reported in the literature in individuals affected with ZNF469-related conditions. In summary, the available evidence is currently insufficient to determine the role of this variant in disease. Therefore, it has been classified as a Variant of Uncertain Significance.

NC_000016.9:g.(?_87677844)_(88505740_?)dup

Genes: BANP (BTG3 associated nuclear protein; plus strand), CA5A (carbonic anhydrase 5A; minus strand), JPH3 (junctophilin 3; plus strand), KLHDC4 (kelch domain containing 4; minus strand), SLC7A5 (solute carrier family 7 member 5; minus strand) and 1 more. Cytogenetic location: 16q24.2.
Variant type: Duplication.
Identifiers: ClinVar variation 2423762 (VCV002423762.3).